The following is an entry in ClinVar:

NM_001174089.2(SLC4A11):c.139del (p.Leu47fs)

Gene: SLC4A11 (solute carrier family 4 member 11; minus strand). Cytogenetic location: 20p13.
Variant type: Deletion.
Coding change: c.139del on transcript NM_001174089.2 (MANE Select); coding-DNA position 139, one base deleted (C; older notation c.139delC).
Protein change: p.Leu47fs; shifts the reading frame from leucine 47.
Molecular consequence: frameshift variant. On other transcripts: non-coding transcript variant (1).
Genome position (GRCh38, 1-based): chr20:3,234,844, G deleted on the plus strand (C on the coding strand, the reverse complement: SLC4A11 is on the minus strand); the first of 2 consecutive G bases (chr20:3,234,844-3,234,845); deleting either gives the same sequence. VCF-style (leftmost placement, unchanged base first): chr20-3234843-AG-A. GRCh37 (hg19) VCF-style: chr20-3215489-AG-A.
Other names: c.268del, p.Leu90fs (NM_001174090.2); c.139del, p.Leu47fs (NM_001363745.2); c.187del, p.Leu63fs (NM_032034.4); short protein forms L63fs, L90fs, L47fs.
Identifiers: ClinVar variation 1427836 (VCV001427836.6), dbSNP rs2122612431, ClinGen allele CA2573156898.

ClinVar aggregate classification (germline): Pathogenic (1 of 4 stars; one submission).

Submission:

Labcorp Genetics (formerly Invitae), Labcorp
Classification: Pathogenic. Last evaluated: 2021-10-02. Review status: criteria provided, single submitter. Criteria: Invitae Variant Classification Sherloc (09022015). Collection method: clinical testing. Allele origin: germline.
Comment: For these reasons, this variant has been classified as Pathogenic. This variant has not been reported in the literature in individuals affected with SLC4A11-related conditions. This variant is not present in population databases (ExAC no frequency). This sequence change creates a premature translational stop signal (p.Leu63Trpfs*53) in the SLC4A11 gene. It is expected to result in an absent or disrupted protein product. Loss-of-function variants in SLC4A11 are known to be pathogenic (PMID: 17220209, 17679935).

Literature cited by the submitters: PubMed 17220209; PubMed 17679935.